The following is an entry in ClinVar:

ClinVar aggregate classification (germline): Benign (1 of 4 stars; one submission).

Conditions:
Thrombocytopenia. Identifiers: MedGen C0040034, MeSH D013921, MONDO:0002049, HP:0001873.

Allele frequency attached by ClinVar (database versions not stated): gnomAD 0.00074 and 0.00075; 1000 Genomes Project 0.00060; 1000 Genomes Project 30x 0.00062; TOPMed 0.00077.
gnomAD v4.1: 954 of 851,124 alleles (0.11%); highest among the groups gnomAD compares: Non-Finnish European, 0.13%; 1 homozygote.

Submission:

Illumina Laboratory Services, Illumina
Classification: Benign for Thrombocytopenia. Last evaluated: 2018-01-13. Review status: criteria provided, single submitter. Criteria: ICSL Variant Classification Criteria 13 December 2019. Collection method: clinical testing. Allele origin: germline.
Comment: This variant was observed in the ICSL laboratory as part of a predisposition screen in an ostensibly healthy population. It had not been previously curated by ICSL or reported in the Human Gene Mutation Database (HGMD: prior to June 1st, 2018), and was therefore a candidate for classification through an automated scoring system. Utilizing variant allele frequency, disease prevalence and penetrance estimates, and inheritance mode, an automated score was calculated to assess if this variant is too frequent to cause the disease. Based on the score and internal cut-off values, a variant classified as benign is not then subjected to further curation. The score for this variant resulted in a classification of benign for this disease.

NM_001172303.3(MASTL):c.*132G>A

Genes: ACBD5 (acyl-CoA binding domain containing 5; minus strand), MASTL (microtubule associated serine/threonine kinase like; plus strand). Cytogenetic location: 10p12.1.
Variant type: single nucleotide variant.
Coding change: c.*132G>A on transcript NM_001172303.3 (MANE Select); 132 bases downstream of the stop codon, G replaced by A.
Molecular consequence: 3 prime UTR variant. On other transcripts: non-coding transcript variant (1), intron variant (1).
Genome position (GRCh38, 1-based): chr10:27,186,668, G>A. VCF-style: chr10-27186668-G-A. GRCh37 (hg19) VCF-style: chr10-27475597-G-A.
Other names: c.*132G>A (NM_001172304.3, NM_001320756.2, NM_001320757.2 and 3 more transcripts); c.1566-2353C>T (NM_001352570.1).
Identifiers: ClinVar variation 299804 (VCV000299804.7), dbSNP rs570707157, ClinGen allele CA10631600.